The following is an entry in ClinVar:

ClinVar aggregate classification (germline): Uncertain significance (1 of 4 stars; one submission).

Submission:

Labcorp Genetics (formerly Invitae), Labcorp
Classification: Uncertain significance. Last evaluated: 2022-06-01. Review status: criteria provided, single submitter. Criteria: Invitae Variant Classification Sherloc (09022015). Collection method: clinical testing. Allele origin: germline.
Comment: In summary, the available evidence is currently insufficient to determine the role of this variant in disease. Therefore, it has been classified as a Variant of Uncertain Significance. Algorithms developed to predict the effect of missense changes on protein structure and function (SIFT, PolyPhen-2, Align-GVGD) all suggest that this variant is likely to be tolerated. This variant has not been reported in the literature in individuals affected with SMARCB1-related conditions. This variant is not present in population databases (gnomAD no frequency). This sequence change replaces isoleucine, which is neutral and non-polar, with valine, which is neutral and non-polar, at codon 176 of the SMARCB1 protein (p.Ile176Val).

NM_003073.5(SMARCB1):c.526A>G (p.Ile176Val)

Gene: SMARCB1 (SWI/SNF related BAF chromatin remodeling complex subunit B1; plus strand). Cytogenetic location: 22q11.23.
Variant type: single nucleotide variant.
Coding change: c.526A>G on transcript NM_003073.5 (MANE Select); coding-DNA position 526, A replaced by G.
Protein change: p.Ile176Val; replaces isoleucine 176 with valine.
Molecular consequence: missense variant.
Genome position (GRCh38, 1-based): chr22:23,803,320, A>G. VCF-style: chr22-23803320-A-G. GRCh37 (hg19) VCF-style: chr22-24145507-A-G.
Other names: c.499A>G, p.Ile167Val (NM_001007468.3); c.553A>G, p.Ile185Val (NM_001317946.2); c.580A>G, p.Ile194Val (NM_001362877.2); short protein forms I176V, I167V, I185V, I194V.
Identifiers: ClinVar variation 2001816 (VCV002001816.4), dbSNP rs1929285188, ClinGen allele CA410935540.